The following is an entry in ClinVar:

ClinVar aggregate classification (germline): Uncertain significance (1 of 4 stars; one submission).

Allele frequency attached by ClinVar (database versions not stated): gnomAD exomes below 0.00001; TOPMed 0.00001.
gnomAD v4.1: 1 of 1,602,026 alleles (0.000062%); highest among the groups gnomAD compares: Admixed American, 0.0017%; no homozygotes.

Submission:

Labcorp Genetics (formerly Invitae), Labcorp
Classification: Uncertain significance. Last evaluated: 2021-12-23. Review status: criteria provided, single submitter. Criteria: Invitae Variant Classification Sherloc (09022015). Collection method: clinical testing. Allele origin: germline.
Comment: This sequence change replaces valine, which is neutral and non-polar, with aspartic acid, which is acidic and polar, at codon 328 of the NUP160 protein (p.Val328Asp). This variant is not present in population databases (gnomAD no frequency). This variant has not been reported in the literature in individuals affected with NUP160-related conditions. Algorithms developed to predict the effect of missense changes on protein structure and function are either unavailable or do not agree on the potential impact of this missense change (SIFT: "Not Available"; PolyPhen-2: "Probably Damaging"; Align-GVGD: "Not Available"). In summary, the available evidence is currently insufficient to determine the role of this variant in disease. Therefore, it has been classified as a Variant of Uncertain Significance.

NM_015231.3(NUP160):c.881T>A (p.Val294Asp)

Gene: NUP160 (nucleoporin 160; minus strand). Cytogenetic location: 11p11.2.
Variant type: single nucleotide variant.
Coding change: c.881T>A on transcript NM_015231.3 (MANE Select); coding-DNA position 881, T replaced by A.
Protein change: p.Val294Asp; replaces valine 294 with aspartic acid.
Molecular consequence: missense variant. On other transcripts: non-coding transcript variant (1).
Genome position (GRCh38, 1-based): chr11:47,835,769, A>T on the plus strand (T>A on the coding strand, the complement: NUP160 is on the minus strand). VCF-style: chr11-47835769-A-T. GRCh37 (hg19) VCF-style: chr11-47857321-A-T.
Other names: short protein forms V294D.
Identifiers: ClinVar variation 1957199 (VCV001957199.5), dbSNP rs1852161273, ClinGen allele CA380392146.